The following is an entry in ClinVar:

NM_001370658.1(BTD):c.1406A>G (p.Asn469Ser)

Gene: BTD (biotinidase; plus strand). Cytogenetic location: 3p25.1.
Variant type: single nucleotide variant.
Coding change: c.1406A>G on transcript NM_001370658.1 (MANE Select); coding-DNA position 1406, A replaced by G.
Protein change: p.Asn469Ser; replaces asparagine 469 with serine.
Molecular consequence: missense variant. On other transcripts: intron variant (8).
Genome position (GRCh38, 1-based): chr3:15,645,322, A>G. VCF-style: chr3-15645322-A-G. GRCh37 (hg19) VCF-style: chr3-15686829-A-G.
Other names: c.1466A>G, p.Asn489Ser (NM_000060.4); c.399+3265A>G (NM_001407399.1, NM_001370753.1, NM_001407400.1 and 3 more transcripts); c.1406A>G, p.Asn469Ser (NM_001281723.4, NM_001281724.3, NM_001281725.3 and 16 more transcripts); c.1015+391A>G (NM_001370752.1, NM_001407379.1); short protein forms N469S, N489S.
Identifiers: ClinVar variation 2680357 (VCV002680357.4), dbSNP rs104893692, ClinGen allele CA351608966.

ClinVar aggregate classification (germline): Pathogenic/Likely pathogenic. Review status: criteria provided, multiple submitters, no conflicts (2 of 4 stars). 2 submissions from 2 submitters: Pathogenic (1); Likely pathogenic (1). Last evaluated 2023-05-05.

Conditions:
Biotinidase deficiency. Also called: BTD deficiency; Late-onset biotin-responsive multiple carboxylase deficiency; Biotin deficiency. Identifiers: Orphanet 79241, MedGen C0220754, MONDO:0009665, OMIM 253260.

gnomAD v4.1: 3 of 1,614,204 alleles (0.00019%); highest among the groups gnomAD compares: Non-Finnish European, 0.00025%; no homozygotes.

Submissions (2):

Baylor Genetics
Classification: Likely pathogenic for Biotinidase deficiency. Last evaluated: 2023-05-05. Review status: criteria provided, single submitter. Criteria: ACMG Guidelines, 2015. Collection method: clinical testing. Allele origin: unknown.

Labcorp Genetics (formerly Invitae), Labcorp
Classification: Pathogenic for Biotinidase deficiency. Last evaluated: 2023-02-16. Review status: criteria provided, single submitter. Criteria: Invitae Variant Classification Sherloc (09022015). Collection method: clinical testing. Allele origin: germline.
Comment: This sequence change replaces asparagine, which is neutral and polar, with serine, which is neutral and polar, at codon 489 of the BTD protein (p.Asn489Ser). This variant is not present in population databases (gnomAD no frequency). This missense change has been observed in individual(s) with biotinidase deficiency (PMID: 28498829). In at least one individual the data is consistent with being in trans (on the opposite chromosome) from a pathogenic variant. Advanced modeling of protein sequence and biophysical properties (such as structural, functional, and spatial information, amino acid conservation, physicochemical variation, residue mobility, and thermodynamic stability) performed at Invitae indicates that this missense variant is expected to disrupt BTD protein function. Experimental studies have shown that this missense change affects BTD function (PMID: 31337602). This variant disrupts the p.Asn489 amino acid residue in BTD. Other variant(s) that disrupt this residue have been determined to be pathogenic (PMID: 9705240; Invitae). This suggests that this residue is clinically significant, and that variants that disrupt this residue are likely to be disease-causing. For these reasons, this variant has been classified as Pathogenic.

Literature cited by the submitters: PubMed 28498829 (cited by Labcorp Genetics (formerly Invitae), Labcorp); PubMed 31337602 (cited by Labcorp Genetics (formerly Invitae), Labcorp); PubMed 9705240 (cited by Labcorp Genetics (formerly Invitae), Labcorp).